The following is an entry in ClinVar:

ClinVar aggregate classification (germline): Likely pathogenic (1 of 4 stars; one submission).

Conditions:
Autosomal recessive Alport syndrome (ATS2). Also called: ALPORT SYNDROME 2, AUTOSOMAL RECESSIVE; Alport syndrome type 2; COL4A4 Alport Syndrome and Thin Basement Membrane Nephropathy; COL4A3-Related Nephropathy. Identifiers: Orphanet 63, Orphanet 88919, MedGen C4746745, MONDO:0008762, OMIM 203780.

Submission:

Myriad Genetics, Inc.
Classification: Likely pathogenic for Autosomal recessive Alport syndrome. Last evaluated: 2019-01-24. Review status: criteria provided, single submitter. Criteria: Myriad Women's Health Autosomal Recessive and X-Linked Classification Criteria (2019). Collection method: clinical testing. Allele origin: unknown.
Comment: NM_000091.4(COL4A3):c.4054A>T(K1352*) is expected to be pathogenic in the context of COL4A3-related Alport syndrome. This variant is predicted to lead to an abnormal or absent protein product due to the creation of a premature termination codon in COL4A3, a gene where loss-of-function variants are known to be pathogenic. Please note: this variant was assessed in the context of healthy population screening.

NM_000091.5(COL4A3):c.4054A>T (p.Lys1352Ter)

Genes: COL4A3 (collagen type IV alpha 3 chain; plus strand), MFF-DT (MFF divergent transcript; minus strand). Cytogenetic location: 2q36.3.
Variant type: single nucleotide variant.
Coding change: c.4054A>T on transcript NM_000091.5 (MANE Select); coding-DNA position 4054, A replaced by T.
Protein change: p.Lys1352Ter; replaces lysine 1352 with a stop codon.
Molecular consequence: nonsense.
Genome position (GRCh38, 1-based): chr2:227,304,045, A>T. VCF-style: chr2-227304045-A-T. GRCh37 (hg19) VCF-style: chr2-228168761-A-T.
Other names: short protein forms K1352*.
Identifiers: ClinVar variation 983880 (VCV000983880.3), dbSNP rs2073401408, ClinGen allele CA350862764.
Genomic context (GRCh38, chr2:227,304,045, plus strand): 5'-GGCCATCATCTTCTTCTTATGTTTATGTCAACAGGTGTACGTGGAGACCCTGGCACACTT[A>T]AGATTATCTCCCTTCCAGGAAGCCCAGGGCCACCTGGCACACCTGGAGAACCAGGGATGC-3'